The following is an entry in ClinVar:

NM_001281740.3(FHOD3):c.2263T>A (p.Ser755Thr)

Gene: FHOD3 (formin homology 2 domain containing 3; plus strand). Cytogenetic location: 18q12.2.
Variant type: single nucleotide variant.
Coding change: c.2263T>A on transcript NM_001281740.3 (MANE Select); coding-DNA position 2263, T replaced by A.
Protein change: p.Ser755Thr; replaces serine 755 with threonine.
Molecular consequence: missense variant.
Genome position (GRCh38, 1-based): chr18:36,709,121, T>A. VCF-style: chr18-36709121-T-A. GRCh37 (hg19) VCF-style: chr18-34289084-T-A.
Other names: c.1687T>A, p.Ser563Thr (NM_001281739.3); c.1738T>A, p.Ser580Thr (NM_025135.5); short protein forms S563T, S580T, S755T.
Identifiers: ClinVar variation 1699163 (VCV001699163.3), dbSNP rs149817279, ClinGen allele CA8941832.
Genomic context (GRCh38, chr18:36,709,121, plus strand): 5'-TCGTCAATATAATCTCCATTGTTGTCTCCACCAGCAAGTGCCGGGGATCCTGAACCCGAA[T>A]CAGAGGCAGAACCGGAAGCAGAGGCAGGGGCGGGGCAGGTTGCTGATGAAGCTGGCCAGG-3'
Protein context (NP_001268669.1, residues 745-765): QASAGDPEPE[Ser755Thr]EAEPEAEAGA

ClinVar aggregate classification (germline): Uncertain significance (1 of 4 stars; one submission).

Conditions:
Cardiomyopathy, familial hypertrophic, 28. Identifiers: MedGen C5543616, MONDO:0030317, OMIM 619402.

Allele frequency attached by ClinVar (database versions not stated): gnomAD exomes below 0.00001; TOPMed below 0.00001; ExAC 0.00001; gnomAD 0.00001; ESP Exome Variant Server 0.00008.
gnomAD v4.1: 1 of 1,613,308 alleles (0.000062%); highest among the groups gnomAD compares: Non-Finnish European, 0.000085%; no homozygotes.

Submission:

Victorian Clinical Genetics Services, Murdoch Childrens Research Institute
Classification: Uncertain significance for Cardiomyopathy, familial hypertrophic, 28. Last evaluated: 2022-02-02. Review status: criteria provided, single submitter. Criteria: ACMG Guidelines, 2015. Collection method: clinical testing. Allele origin: germline. Inheritance: Autosomal dominant inheritance. Affected: yes.
Comment: Based on the classification scheme VCGS_Germline_v1.3.4, this variant is classified as VUS-3C. Following criteria are met: 0105 - The mechanism of disease for this gene is not clearly established. However, dominant negative has been suggested for a single missense variant (PMID: 24088304). (I) 0107 - This gene is associated with autosomal dominant disease. (I) 0112 - The condition associated with this gene has incomplete penetrance (PMID: 30442288). (I) 0200 - Variant is predicted to result in a missense amino acid change from serine to threonine. (I) 0251 - This variant is heterozygous. (I) 0302 - Variant is present in gnomAD (v2) <0.001 for a dominant condition (1 heterozygote, 0 homozygotes). (SP) 0503 - Missense variant consistently predicted to be tolerated by multiple in silico tools or not conserved in placental mammals with a minor amino acid change. (SB) 0600 - Variant is located in the annotated DID domain (PMID: 30442288). (I) 0705 - No comparable missense variants have previous evidence for pathogenicity. (I) 0807 - This variant has no previous evidence of pathogenicity. (I) 0905 - No published segregation evidence has been identified for this variant. (I) 1007 - No published functional evidence has been identified for this variant. (I) 1208 - Inheritance information for this variant is not currently available in this individual. (I) Legend: (SP) - Supporting pathogenic, (I) - Information, (SB) - Supporting benign

Literature cited by the submitters: PubMed 24088304; PubMed 30442288.